The following is an entry in ClinVar:

ClinVar aggregate classification (germline): Uncertain significance. Review status: criteria provided, multiple submitters, no conflicts (2 of 4 stars). 2 submissions from 2 submitters: Uncertain significance (2). Last evaluated 2026-04-06.

Conditions:
Inborn genetic diseases. Identifiers: MedGen C0950123, MeSH D030342.
CHARGE syndrome (CHARGE). Also called: Hittner Hirsch Kreh syndrome; CHARGE ASSOCIATION--COLOBOMA, HEART ANOMALY, CHOANAL ATRESIA, RETARDATION, GENITAL AND EAR ANOMALIES; Coloboma, heart anomaly, choanal atresia, retardation, genital and ear anomalies; CHARGE association; Hall-Hittner syndrome. Identifiers: Orphanet 138, MedGen C0265354, MONDO:0008965.

Submissions (2):

Ambry Genetics
Classification: Uncertain significance for Inborn genetic diseases. Last evaluated: 2026-04-06. Review status: criteria provided, single submitter. Criteria: Ambry Variant Classification Scheme 2023. Collection method: clinical testing. Allele origin: germline.

Labcorp Genetics (formerly Invitae), Labcorp
Classification: Uncertain significance for CHARGE syndrome. Last evaluated: 2025-11-21. Review status: criteria provided, single submitter. Criteria: Invitae Variant Classification Sherloc (09022015). Collection method: clinical testing. Allele origin: germline.
Comment: This sequence change replaces phenylalanine, which is neutral and non-polar, with valine, which is neutral and non-polar, at codon 1607 of the CHD7 protein (p.Phe1607Val). This variant is not present in population databases (gnomAD no frequency). This variant has not been reported in the literature in individuals affected with CHD7-related conditions. Invitae Evidence Modeling of protein sequence and biophysical properties (such as structural, functional, and spatial information, amino acid conservation, physicochemical variation, residue mobility, and thermodynamic stability) indicates that this missense variant is expected to disrupt CHD7 protein function with a positive predictive value of 95%. In summary, the available evidence is currently insufficient to determine the role of this variant in disease. Therefore, it has been classified as a Variant of Uncertain Significance.

NM_017780.4(CHD7):c.4819T>G (p.Phe1607Val)

Gene: CHD7 (chromodomain helicase DNA binding protein 7; plus strand). Cytogenetic location: 8q12.2.
Variant type: single nucleotide variant.
Coding change: c.4819T>G on transcript NM_017780.4 (MANE Select); coding-DNA position 4819, T replaced by G.
Protein change: p.Phe1607Val; replaces phenylalanine 1607 with valine.
Molecular consequence: missense variant. On other transcripts: intron variant (1).
Genome position (GRCh38, 1-based): chr8:60,842,021, T>G. VCF-style: chr8-60842021-T-G. GRCh37 (hg19) VCF-style: chr8-61754580-T-G.
Other names: c.4819T>G (NM_017780.3); c.1717-20208T>G (NM_001316690.1); short protein forms F1607V.
Identifiers: ClinVar variation 4746299 (VCV004746299.2).